The following is an entry in ClinVar:

ClinVar aggregate classification (germline): Uncertain significance (1 of 4 stars; one submission).

Conditions:
Autosomal recessive axonal neuropathy with neuromyotonia (NMAN). Also called: Neuromyotonia and axonal neuropathy, autosomal recessive; Gamstorp-Wohlfart syndrome; MYOKYMIA, MYOTONIA, AND MUSCLE WASTING. Identifiers: Orphanet 324442, MedGen C5700127, MONDO:0007646, OMIM 137200.

Allele frequency attached by ClinVar (database versions not stated): gnomAD exomes below 0.00001.
gnomAD v4.1: 1 of 1,612,304 alleles (0.000062%); highest among the groups gnomAD compares: Non-Finnish European, 0.000085%; no homozygotes.

Submission:

Labcorp Genetics (formerly Invitae), Labcorp
Classification: Uncertain significance for Autosomal recessive axonal neuropathy with neuromyotonia. Last evaluated: 2022-07-19. Review status: criteria provided, single submitter. Criteria: Invitae Variant Classification Sherloc (09022015). Collection method: clinical testing. Allele origin: germline.
Comment: This variant has not been reported in the literature in individuals affected with HINT1-related conditions. In summary, the available evidence is currently insufficient to determine the role of this variant in disease. Therefore, it has been classified as a Variant of Uncertain Significance. Algorithms developed to predict the effect of missense changes on protein structure and function are either unavailable or do not agree on the potential impact of this missense change (SIFT: "Deleterious"; PolyPhen-2: "Possibly Damaging"; Align-GVGD: "Class C0"). ClinVar contains an entry for this variant (Variation ID: 941002). This variant is not present in population databases (gnomAD no frequency). This sequence change replaces alanine, which is neutral and non-polar, with threonine, which is neutral and polar, at codon 48 of the HINT1 protein (p.Ala48Thr).

NM_005340.7(HINT1):c.142G>A (p.Ala48Thr)

Gene: HINT1 (histidine triad nucleotide binding protein 1; minus strand). Cytogenetic location: 5q23.3.
Variant type: single nucleotide variant.
Coding change: c.142G>A on transcript NM_005340.7 (MANE Select); coding-DNA position 142, G replaced by A.
Protein change: p.Ala48Thr; replaces alanine 48 with threonine.
Molecular consequence: missense variant. On other transcripts: non-coding transcript variant (5).
Genome position (GRCh38, 1-based): chr5:131,162,646, C>T on the plus strand (G>A on the coding strand, the complement: HINT1 is on the minus strand). VCF-style: chr5-131162646-C-T. GRCh37 (hg19) VCF-style: chr5-130498339-C-T.
Other names: short protein forms A48T.
Identifiers: ClinVar variation 941002 (VCV000941002.10), dbSNP rs1755287235, ClinGen allele CA360838819.